The following is an entry in ClinVar:

NM_014000.3(VCL):c.1743+6A>G

Gene: VCL (vinculin; plus strand). Cytogenetic location: 10q22.2.
Variant type: single nucleotide variant.
Coding change: c.1743+6A>G on transcript NM_014000.3 (MANE Select); 6 bases into the intron after coding-DNA position 1743, A replaced by G.
Molecular consequence: intron variant.
Genome position (GRCh38, 1-based): chr10:74,095,861, A>G. VCF-style: chr10-74095861-A-G. GRCh37 (hg19) VCF-style: chr10-75855619-A-G.
Other names: c.1743+6A>G (NM_003373.4).
Identifiers: ClinVar variation 663296 (VCV000663296.11), dbSNP rs370709860, ClinGen allele CA5563060.
Genomic context (GRCh38, chr10:74,095,861, plus strand): 5'-AGGGGAGAGTCCTCAGGCACGAGCACTTGCATCTCAGCTCCAAGACTCCTTAAAGGTAGA[A>G]GTCAGGAGCACATATCATTTTACTTTTTATGCTTCCTATTATTGAAAGACGAGGGAAGGA-3'

ClinVar aggregate classification (germline): Uncertain significance. Review status: criteria provided, multiple submitters, no conflicts (2 of 4 stars). 4 submissions from 4 submitters: Uncertain significance (4). Last evaluated 2026-08-31.

Conditions:
Dilated cardiomyopathy 1W (CMD1W). Identifiers: Orphanet 154, MedGen C1969639, MONDO:0012667, OMIM 611407.
Hypertrophic cardiomyopathy 15. Identifiers: MedGen C2750459, MONDO:0013200, OMIM 613255.
VCL-related disorder. Also called: VCL-related condition.

Allele frequency attached by ClinVar (database versions not stated): TOPMed 0.00001.
gnomAD v4.1: 64 of 1,612,840 alleles (0.004%); highest among the groups gnomAD compares: Admixed American, 0.005%; no homozygotes.

Submissions (4):

PreventionGenetics, part of Exact Sciences
Classification: Uncertain significance for VCL-related condition. Last evaluated: 2026-08-31. Review status: criteria provided, single submitter. Criteria: ACMG Guidelines, 2015. Collection method: clinical testing. Allele origin: germline.
Comment: The VCL c.1743+6A>G variant is predicted to interfere with splicing. This variant is predicted to impact splicing based on splicing prediction programs (SpliceAI, Jaganathan et al. 2019. PubMed ID: 30661751). However, the use of computer prediction programs is not equivalent to functional evidence. To our knowledge, this variant has not been reported in the literature. This variant is reported in 0.0087% of alleles in individuals of Latino descent in gnomAD. At this time, the clinical significance of this variant is uncertain due to the absence of conclusive functional and genetic evidence.

GeneDx
Classification: Uncertain significance. Last evaluated: 2026-07-15. Review status: criteria provided, single submitter. Criteria: GeneDx Variant Classification Process June 2021. Collection method: clinical testing. Allele origin: germline.
Comment: Has not been previously published as pathogenic or benign to our knowledge; In silico analysis supports a deleterious effect on splicing

Labcorp Genetics (formerly Invitae), Labcorp
Classification: Uncertain significance for Dilated cardiomyopathy 1W. Last evaluated: 2025-08-02. Review status: criteria provided, single submitter. Criteria: Invitae Variant Classification Sherloc (09022015). Collection method: clinical testing. Allele origin: germline.
Comment: This sequence change falls in intron 12 of the VCL gene. It does not directly change the encoded amino acid sequence of the VCL protein. It affects a nucleotide within the consensus splice site. This variant is present in population databases (rs370709860, gnomAD 0.009%). This variant has not been reported in the literature in individuals affected with VCL-related conditions. ClinVar contains an entry for this variant (Variation ID: 663296). Variants that disrupt the consensus splice site are a relatively common cause of aberrant splicing (PMID: 17576681, 9536098). Algorithms developed to predict the effect of sequence changes on RNA splicing suggest that this variant may create or strengthen a splice site. In summary, the available evidence is currently insufficient to determine the role of this variant in disease. Therefore, it has been classified as a Variant of Uncertain Significance.

Fulgent Genetics
Classification: Uncertain significance for Dilated cardiomyopathy 1W; Hypertrophic cardiomyopathy 15. Last evaluated: 2021-08-18. Review status: criteria provided, single submitter. Criteria: ACMG Guidelines, 2015. Collection method: clinical testing. Allele origin: unknown.

Literature cited by the submitters: PubMed 17576681 (cited by Labcorp Genetics (formerly Invitae), Labcorp); PubMed 9536098 (cited by Labcorp Genetics (formerly Invitae), Labcorp).